The following is an entry in ClinVar:

NM_006445.4(PRPF8):c.461A>T (p.Glu154Val)

Gene: PRPF8 (pre-mRNA processing factor 8; minus strand). Cytogenetic location: 17p13.3.
Variant type: single nucleotide variant.
Coding change: c.461A>T on transcript NM_006445.4 (MANE Select); coding-DNA position 461, A replaced by T.
Protein change: p.Glu154Val; replaces glutamic acid 154 with valine.
Molecular consequence: missense variant.
Genome position (GRCh38, 1-based): chr17:1,682,012, T>A on the plus strand (A>T on the coding strand, the complement: PRPF8 is on the minus strand). VCF-style: chr17-1682012-T-A. GRCh37 (hg19) VCF-style: chr17-1585306-T-A.
Other names: short protein forms E154V.
Identifiers: ClinVar variation 3682135 (VCV003682135.2).

ClinVar aggregate classification (germline): Uncertain significance (1 of 4 stars; one submission).

Submission:

Labcorp Genetics (formerly Invitae), Labcorp
Classification: Uncertain significance. Last evaluated: 2024-11-25. Review status: criteria provided, single submitter. Criteria: Invitae Variant Classification Sherloc (09022015). Collection method: clinical testing. Allele origin: germline.
Comment: This sequence change replaces glutamic acid, which is acidic and polar, with valine, which is neutral and non-polar, at codon 154 of the PRPF8 protein (p.Glu154Val). This variant is not present in population databases (gnomAD no frequency). This variant has not been reported in the literature in individuals affected with PRPF8-related conditions. Invitae Evidence Modeling of protein sequence and biophysical properties (such as structural, functional, and spatial information, amino acid conservation, physicochemical variation, residue mobility, and thermodynamic stability) indicates that this missense variant is expected to disrupt PRPF8 protein function with a positive predictive value of 80%. In summary, the available evidence is currently insufficient to determine the role of this variant in disease. Therefore, it has been classified as a Variant of Uncertain Significance.